The following is an entry in ClinVar:

NM_000363.5(TNNI3):c.9T>A (p.Asp3Glu)

Gene: TNNI3 (troponin I3, cardiac type; minus strand). Cytogenetic location: 19q13.42.
Variant type: single nucleotide variant.
Coding change: c.9T>A on transcript NM_000363.5 (MANE Select); coding-DNA position 9, T replaced by A.
Protein change: p.Asp3Glu; replaces aspartic acid 3 with glutamic acid.
Molecular consequence: missense variant.
Genome position (GRCh38, 1-based): chr19:55,157,581, A>T on the plus strand (T>A on the coding strand, the complement: TNNI3 is on the minus strand). VCF-style: chr19-55157581-A-T. GRCh37 (hg19) VCF-style: chr19-55668949-A-T.
Other names: short protein forms D3E.
Identifiers: ClinVar variation 2564936 (VCV002564936.2), dbSNP rs2085744143, ClinGen allele CA407443515.

ClinVar aggregate classification (germline): Uncertain significance (1 of 4 stars; one submission).

Conditions:
Cardiovascular phenotype. Identifiers: MedGen CN230736.

Submission:

Ambry Genetics
Classification: Uncertain significance for Cardiovascular phenotype. Last evaluated: 2023-04-18. Review status: criteria provided, single submitter. Criteria: Ambry Variant Classification Scheme 2023. Collection method: clinical testing. Allele origin: germline.
Comment: The p.D3E variant (also known as c.9T>A), located in coding exon 1 of the TNNI3 gene, results from a T to A substitution at nucleotide position 9. The aspartic acid at codon 3 is replaced by glutamic acid, an amino acid with highly similar properties. This amino acid position is conserved. In addition, this alteration is predicted to be tolerated by in silico analysis. Since supporting evidence is limited at this time, the clinical significance of this alteration remains unclear.